The following is an entry in ClinVar:

NC_000005.10:g.(?_177135094)_(177295469_?)del

Genes: NSD1 (nuclear receptor binding SET domain protein 1; plus strand), LOC126807619 (MED14-independent group 3 enhancer GRCh37_chr5:176696443-176697642; plus strand), LOC129995362 (ATAC-STARR-seq lymphoblastoid silent region 16676; plus strand). Cytogenetic location: 5q35.3.
Variant type: Deletion.
Identifiers: ClinVar variation 652389 (VCV000652389.3).

ClinVar aggregate classification (germline): Pathogenic. Review status: criteria provided, single submitter (1 of 4 stars). 2 submissions from 1 submitter: Pathogenic (2). Last evaluated 2020-09-10.

Conditions:
Sotos syndrome (SOTOS). Also called: CHROMOSOME 5q35 DELETION SYNDROME; CEREBRAL GIGANTISM; Sotos' syndrome; SOTOS SYNDROME 1; Distinctive facial appearance, overgrowth in childhood, and learning disabilities or delayed development. Identifiers: Orphanet 821, MedGen C0175695, MONDO:0019349, OMIM 117550.
Beckwith-Wiedemann syndrome (BWS). Also called: Exomphalos macroglossia gigantism syndrome; EMG SYNDROME. Identifiers: Orphanet 116, MedGen C0004903, MONDO:0007534, OMIM 130650.

Submissions (2):

Labcorp Genetics (formerly Invitae), Labcorp
Classification: Pathogenic. Last evaluated: 2020-09-10. Review status: criteria provided, single submitter. Criteria: Invitae Variant Classification Sherloc (09022015). Collection method: clinical testing. Allele origin: germline.
Comment: A gross deletion of the genomic region encompassing the full coding sequence of the NSD1 gene has been identified. The boundaries of this event are unknown as the deletion extends beyond the assayed region for this gene and therefore may encompass additional genes. Similar deletions encompassing the entire NSD1 gene have been reported in many individuals affected with Sotos syndrome (PMID: 18505455, 21597970, 25608832). Loss-of-function variants in NSD1 are known to be pathogenic (PMID: 12464997, 14571271, 15942875, 16247291). For these reasons, this variant has been classified as Pathogenic.

Labcorp Genetics (formerly Invitae), Labcorp
Classification: Pathogenic for Beckwith-Wiedemann syndrome. Last evaluated: 2018-09-28. Review status: criteria provided, single submitter. Criteria: Invitae Variant Classification Sherloc (09022015). Collection method: clinical testing. Allele origin: germline.
Comment: the same text as in the submission from Labcorp Genetics (formerly Invitae), Labcorp above.

Literature cited by the submitters: PubMed 18505455; PubMed 21597970; PubMed 25608832; PubMed 12464997; PubMed 14571271; PubMed 15942875; PubMed 16247291.